The following is an entry in ClinVar:

NM_000264.5(PTCH1):c.3531_3534del (p.Phe1177fs)

Gene: PTCH1 (patched 1; minus strand). Cytogenetic location: 9q22.32.
Variant type: Microsatellite.
Coding change: c.3531_3534del on transcript NM_000264.5 (MANE Select); coding-DNA positions 3531 to 3534, 4 bases deleted (CTTT; older notation c.3531_3534delCTTT).
Protein change: p.Phe1177fs; shifts the reading frame from phenylalanine 1177.
Molecular consequence: frameshift variant. On other transcripts: non-coding transcript variant (1).
Genome position (GRCh38, 1-based): chr9:95,449,856-95,449,859, AAAG deleted on the plus strand (CTTT on the coding strand, the reverse complement: PTCH1 is on the minus strand); deleting any 4 consecutive bases within chr9:95,449,856-95,449,864 gives the same sequence; the c. name uses the placement nearest the transcript's 3' end. VCF-style (leftmost placement, unchanged base first): chr9-95449855-CAAAG-C. GRCh37 (hg19) VCF-style: chr9-98212137-CAAAG-C.
Other names: c.3333_3336del, p.Phe1111fs (NM_001083602.3); c.3528_3531del, p.Phe1176fs (NM_001083603.3); c.3078_3081del, p.Phe1026fs (NM_001083604.3, NM_001083605.3, NM_001083606.3 and 1 more transcripts); c.3375_3378del, p.Phe1125fs (NM_001354918.2); short protein forms F1111fs, F1125fs, F1177fs, F1026fs, F1176fs.
Identifiers: ClinVar variation 964636 (VCV000964636.10), dbSNP rs1838305772, ClinGen allele CA1865579292.

ClinVar aggregate classification (germline): Pathogenic (1 of 4 stars; one submission).

Conditions:
Gorlin syndrome. Also called: Nevoid Basal Cell Carcinoma Syndrome; Basal cell nevus syndrome. Identifiers: Orphanet 377, MedGen C0004779, MONDO:0007187.

Submission:

Labcorp Genetics (formerly Invitae), Labcorp
Classification: Pathogenic for Gorlin syndrome. Last evaluated: 2024-09-03. Review status: criteria provided, single submitter. Criteria: Invitae Variant Classification Sherloc (09022015). Collection method: clinical testing. Allele origin: germline.
Comment: This sequence change creates a premature translational stop signal (p.Phe1177Leufs*13) in the PTCH1 gene. It is expected to result in an absent or disrupted protein product. Loss-of-function variants in PTCH1 are known to be pathogenic (PMID: 16301862, 16419085). This variant is not present in population databases (gnomAD no frequency). This premature translational stop signal has been observed in individual(s) with basal cell nevus syndrome (PMID: 16088933, 28733979). ClinVar contains an entry for this variant (Variation ID: 964636). For these reasons, this variant has been classified as Pathogenic.

Literature cited by the submitters: PubMed 16301862; PubMed 16419085; PubMed 16088933; PubMed 28733979.